The following is an entry in ClinVar:

ClinVar aggregate classification (germline): Likely benign (0 of 4 stars; one submission).

Conditions:
KCNV2-related disorder. Also called: KCNV2-related condition.

Allele frequency attached by ClinVar (database versions not stated): ExAC 0.00002; gnomAD exomes 0.00003; TOPMed 0.00009; gnomAD 0.00010.
gnomAD v4.1: 57 of 1,613,892 alleles (0.0035%); highest among the groups gnomAD compares: Middle Eastern, 0.066%; 1 homozygote.

Submission:

PreventionGenetics, part of Exact Sciences
Classification: Likely benign for KCNV2-related condition. Last evaluated: 2019-02-28. Review status: no assertion criteria provided. Collection method: clinical testing. Allele origin: germline.
Comment: This variant is classified as likely benign based on ACMG/AMP sequence variant interpretation guidelines (Richards et al. 2015 PMID: 25741868, with internal and published modifications).

NM_133497.4(KCNV2):c.*5T>C

Gene: KCNV2 (potassium voltage-gated channel modifier subfamily V member 2; plus strand). Cytogenetic location: 9p24.2.
Variant type: single nucleotide variant.
Coding change: c.*5T>C on transcript NM_133497.4 (MANE Select); 5 bases downstream of the stop codon, T replaced by C.
Molecular consequence: 3 prime UTR variant.
Genome position (GRCh38, 1-based): chr9:2,729,732, T>C. VCF-style: chr9-2729732-T-C. GRCh37 (hg19) VCF-style: chr9-2729732-T-C.
Identifiers: ClinVar variation 3046968 (VCV003046968.2), dbSNP rs539025254, ClinGen allele CA4965959.